The following is an entry in ClinVar:

NM_020822.3(KCNT1):c.103G>A (p.Ala35Thr)

Gene: KCNT1 (potassium sodium-activated channel subfamily T member 1; plus strand). Cytogenetic location: 9q34.3.
Variant type: single nucleotide variant.
Coding change: c.103G>A on transcript NM_020822.3 (MANE Select); coding-DNA position 103, G replaced by A.
Protein change: p.Ala35Thr; replaces alanine 35 with threonine.
Molecular consequence: missense variant.
Genome position (GRCh38, 1-based): chr9:135,702,361, G>A. VCF-style: chr9-135702361-G-A. GRCh37 (hg19) VCF-style: chr9-138594207-G-A.
Other names: c.103G>A, p.Ala35Thr (NM_001272003.2); short protein forms A35T.
Identifiers: ClinVar variation 2929546 (VCV002929546.3), dbSNP rs751166469, ClinGen allele CA5326256.
Genomic context (GRCh38, chr9:135,702,361, plus strand): 5'-CGGGAGGCGCGCGGCGGGGGCTACACCAACCGGACCTTCGAGTTTGACGACGGCCAATGC[G>A]CCCCCAGGTACAGTCTGCTGCGCCCTCCCCACGCGGGGAGGCCCCGGTCTAACCTAAGAC-3'
Protein context (NP_065873.2, residues 25-45): RTFEFDDGQC[Ala35Thr]PRRPCAGDGA

ClinVar aggregate classification (germline): Uncertain significance (1 of 4 stars; one submission).

Conditions:
Autosomal dominant nocturnal frontal lobe epilepsy 5. Also called: KCNT1-Related Epilepsy; CILIARY DYSKINESIA, PRIMARY, 28, WITH SITUS INVERSUS; CILIARY DYSKINESIA, PRIMARY, 28, WITHOUT SITUS INVERSUS; Epilepsy, nocturnal frontal lobe, 5. Identifiers: Orphanet 98784, MedGen C3554306, MONDO:0014002, OMIM 615005.
Developmental and epileptic encephalopathy, 14 (DEE14). Also called: Early infantile epileptic encephalopathy 14. Identifiers: Orphanet 293181, MedGen C3554195, MONDO:0013989, OMIM 614959.

Allele frequency attached by ClinVar (database versions not stated): gnomAD 0.00001.
gnomAD v4.1: 4 of 1,610,200 alleles (0.00025%); highest among the groups gnomAD compares: East Asian, 0.0022%; no homozygotes.

Submission:

Labcorp Genetics (formerly Invitae), Labcorp
Classification: Uncertain significance for Autosomal dominant nocturnal frontal lobe epilepsy 5; Developmental and epileptic encephalopathy, 14. Last evaluated: 2023-01-17. Review status: criteria provided, single submitter. Criteria: Invitae Variant Classification Sherloc (09022015). Collection method: clinical testing. Allele origin: germline.
Comment: This variant has not been reported in the literature in individuals affected with KCNT1-related conditions. The frequency data for this variant in the population databases is considered unreliable, as metrics indicate poor data quality at this position in the gnomAD database. This sequence change replaces alanine, which is neutral and non-polar, with threonine, which is neutral and polar, at codon 35 of the KCNT1 protein (p.Ala35Thr). Advanced modeling of protein sequence and biophysical properties (such as structural, functional, and spatial information, amino acid conservation, physicochemical variation, residue mobility, and thermodynamic stability) performed at Invitae indicates that this missense variant is not expected to disrupt KCNT1 protein function. In summary, the available evidence is currently insufficient to determine the role of this variant in disease. Therefore, it has been classified as a Variant of Uncertain Significance.